The following is an entry in ClinVar:

NM_153252.5(BRWD3):c.3583C>G (p.Leu1195Val)

Gene: BRWD3 (bromodomain and WD repeat domain containing 3; minus strand). Cytogenetic location: Xq21.1.
Variant type: single nucleotide variant.
Coding change: c.3583C>G on transcript NM_153252.5 (MANE Select); coding-DNA position 3583, C replaced by G.
Protein change: p.Leu1195Val; replaces leucine 1195 with valine.
Molecular consequence: missense variant.
Genome position (GRCh38, 1-based): chrX:80,691,072, G>C on the plus strand (C>G on the coding strand, the complement: BRWD3 is on the minus strand). VCF-style: chrX-80691072-G-C. GRCh37 (hg19) VCF-style: chrX-79946571-G-C.
Other names: short protein forms L1195V.
Identifiers: ClinVar variation 2845746 (VCV002845746.3), dbSNP rs2520234817, ClinGen allele CA413616657.

ClinVar aggregate classification (germline): Uncertain significance (1 of 4 stars; one submission).

Submission:

Labcorp Genetics (formerly Invitae), Labcorp
Classification: Uncertain significance. Last evaluated: 2023-11-27. Review status: criteria provided, single submitter. Criteria: Invitae Variant Classification Sherloc (09022015). Collection method: clinical testing. Allele origin: germline.
Comment: This sequence change replaces leucine, which is neutral and non-polar, with valine, which is neutral and non-polar, at codon 1195 of the BRWD3 protein (p.Leu1195Val). This variant is not present in population databases (gnomAD no frequency). This variant has not been reported in the literature in individuals affected with BRWD3-related conditions. Advanced modeling of protein sequence and biophysical properties (such as structural, functional, and spatial information, amino acid conservation, physicochemical variation, residue mobility, and thermodynamic stability) performed at Invitae indicates that this missense variant is not expected to disrupt BRWD3 protein function with a negative predictive value of 80%. In summary, the available evidence is currently insufficient to determine the role of this variant in disease. Therefore, it has been classified as a Variant of Uncertain Significance.